The following is an entry in ClinVar:

ClinVar aggregate classification (germline): Likely pathogenic (1 of 4 stars; one submission).

Conditions:
Spongy degeneration of central nervous system. Also called: Canavan disease; Von Bogaert-Bertrand disease; ACY2 DEFICIENCY; AMINOACYLASE 2 DEFICIENCY; ASP DEFICIENCY; ASPA DEFICIENCY. Identifiers: Orphanet 141, MedGen C0206307, MONDO:0010079, OMIM 271900.

Submission:

Labcorp Genetics (formerly Invitae), Labcorp
Classification: Likely pathogenic for Spongy degeneration of central nervous system. Last evaluated: 2023-12-10. Review status: criteria provided, single submitter. Criteria: Invitae Variant Classification Sherloc (09022015). Collection method: clinical testing. Allele origin: unknown.
Comment: This variant results in a copy number gain of the genomic region encompassing exon(s) 2-3 of the ASPA gene. While the exact position of this variant cannot be determined from the data, sub-genic copy number gains are generally in tandem (PMID: 25640679). This variant is predicted to be out-of-frame, and may result in an absent or disrupted protein product. Loss-of-function variants in ASPA are known to be pathogenic (PMID: 12638939). This variant has not been reported in the literature in individuals affected with ASPA-related conditions. In summary, the currently available evidence indicates that the variant is pathogenic, but additional data are needed to prove that conclusively. Therefore, this variant has been classified as Likely Pathogenic.

Literature cited by the submitters: PubMed 25640679; PubMed 12638939.

NC_000017.10:g.(?_3384877)_(3386906_?)dup

Gene: ASPA (aspartoacylase; plus strand). Cytogenetic location: 17p13.2.
Variant type: Duplication.
Identifiers: ClinVar variation 3242934 (VCV003242934.1).